The following is an entry in ClinVar:

NM_001098514.3(C16orf89):c.479del (p.Asp160fs)

Gene: C16orf89 (chromosome 16 open reading frame 89; minus strand). Cytogenetic location: 16p13.3.
Variant type: Deletion.
Coding change: c.479del on transcript NM_001098514.3 (MANE Select); coding-DNA position 479, one base deleted (A; older notation c.479delA).
Protein change: p.Asp160fs; shifts the reading frame from aspartic acid 160.
Molecular consequence: frameshift variant.
Genome position (GRCh38, 1-based): chr16:5,060,316, T deleted on the plus strand (A on the coding strand, the reverse complement: C16orf89 is on the minus strand). VCF-style (leftmost placement, unchanged base first): chr16-5060315-GT-G. GRCh37 (hg19) VCF-style: chr16-5110316-GT-G.
Other names: c.479del, p.Asp160fs (NM_152459.5); c.479delA (NM_152459.5); short protein forms D160fs.
Identifiers: ClinVar variation 3063662 (VCV003063662.1), dbSNP rs2505816481, ClinGen allele CA2575903166.
Genomic context (GRCh38, chr16:5,060,315, plus strand): 5'-TTCCAGCAAATAGGGCAAGTGCAGGGCCCACCCGGTTCCCAGCAGCTGCACCAGGCACAC[GT>G]CACTTCTCTCCTCTGAGAATGAGTCCTGGGGCCCGAACGTGGGGTACACCAAGGAGGCAT-3'

ClinVar aggregate classification (germline): Uncertain significance (1 of 4 stars; one submission).

Submission:

Women's Health and Genetics/Laboratory Corporation of America, LabCorp
Classification: Uncertain significance. Last evaluated: 2024-01-23. Review status: criteria provided, single submitter. Criteria: LabCorp Variant Classification Summary - May 2015. Collection method: clinical testing. Allele origin: germline.
Comment: Variant summary: C16orf89 c.479delA (p.Asp160AlafsX28) results in a premature termination codon, predicted to cause a truncation of the encoded protein or absence of the protein due to nonsense mediated decay, however the molecular mechanism of disease attributed to C16orf89 is currently unknown. The variant was absent in 247992 control chromosomes. The available data on variant occurrences in the general population are insufficient to allow any conclusion about variant significance. To our knowledge, no occurrence of c.479delA in individuals affected with C16orf89-Related Disorders and no experimental evidence demonstrating its impact on protein function have been reported. No submitters have cited clinical-significance assessments for this variant to ClinVar. Based on the evidence outlined above, the variant was classified as uncertain significance.